The following is an entry in ClinVar:

ClinVar aggregate classification (germline): Conflicting classifications of pathogenicity. Review status: criteria provided, conflicting classifications (1 of 4 stars). 2 submissions from 2 submitters: Uncertain significance (1); Likely benign (1). Last evaluated 2025-06-06.

gnomAD v4.1: 6 of 1,607,822 alleles (0.00037%); highest among the groups gnomAD compares: Non-Finnish European, 0.00043%; no homozygotes.

Submissions (2):

Labcorp Genetics (formerly Invitae), Labcorp
Classification: Likely benign. Last evaluated: 2025-06-06. Review status: criteria provided, single submitter. Criteria: Invitae Variant Classification Sherloc (09022015). Collection method: clinical testing. Allele origin: germline.

Athena Diagnostics
Classification: Uncertain significance. Last evaluated: 2023-10-27. Review status: criteria provided, single submitter. Criteria: Athena Diagnostics Criteria. Collection method: clinical testing. Allele origin: unknown.
Comment: Available data are insufficient to determine the clinical significance of the variant at this time. The frequency of this variant in the general population is uninformative in assessment of its pathogenicity. Computational tools yielded predictions that this variant is unlikely to have an effect on normal RNA splicing.

NM_001378452.1(ITPR1):c.163+7T>C

Gene: ITPR1 (inositol 1,4,5-trisphosphate receptor type 1; plus strand). Cytogenetic location: 3p26.1.
Variant type: single nucleotide variant.
Coding change: c.163+7T>C on transcript NM_001378452.1 (MANE Select); 7 bases into the intron after coding-DNA position 163, T replaced by C.
Molecular consequence: intron variant.
Genome position (GRCh38, 1-based): chr3:4,521,101, T>C. VCF-style: chr3-4521101-T-C. GRCh37 (hg19) VCF-style: chr3-4562785-T-C.
Other names: c.163+7T>C (NM_001099952.4, NM_001168272.2, NM_002222.7).
Identifiers: ClinVar variation 3571903 (VCV003571903.2).
Genomic context (GRCh38, chr3:4,521,101, plus strand): 5'-GTGTTGTACAGCCAGAAACCGGGGACCTTAACAATCCACCTAAGAAATTCAGAGGTAAGG[T>C]GGTGGCTTTCCTGGAGTAGTCACCTTGACTCACTTGAAAATTCTTGAAGTGTGTTGTTGG-3'